The following is an entry in ClinVar:

ClinVar aggregate classification (germline): Conflicting classifications of pathogenicity. Review status: criteria provided, conflicting classifications (1 of 4 stars). 3 submissions from 3 submitters: Pathogenic (1); Likely pathogenic (1); Uncertain significance (1). Last evaluated 2023-09-08.

Conditions:
Anauxetic dysplasia. Identifiers: Orphanet 93347, MedGen C1846796, MONDO:0011773.

Allele frequency attached by ClinVar (database versions not stated): gnomAD exomes 0.00002.
gnomAD v4.1: 9 of 694,174 alleles (0.0013%); highest among the groups gnomAD compares: Admixed American, 0.006%; no homozygotes.

Submissions (3):

Labcorp Genetics (formerly Invitae), Labcorp
Classification: Pathogenic for Anauxetic dysplasia. Last evaluated: 2023-09-08. Review status: criteria provided, single submitter. Criteria: Invitae Variant Classification Sherloc (09022015). Collection method: clinical testing. Allele origin: germline.
Comment: For these reasons, this variant has been classified as Pathogenic. This variant disrupts the n.15G nucleotide in the RMRP gene. Other variant(s) that disrupt this nucleotide have been determined to be pathogenic (PMID: 16252239). This suggests that this nucleotide is clinically significant, and that variants that disrupt this position are likely to be disease-causing. ClinVar contains an entry for this variant (Variation ID: 1701570). This variant has been observed in individual(s) with cartilage-hair hypoplasia-anauxetic dysplasia spectrum disorders (PMID: 16838329). In at least one individual the data is consistent with being in trans (on the opposite chromosome) from a pathogenic variant. This variant is present in population databases (no rsID available, gnomAD 0.009%). This variant occurs in the RMRP gene, which encodes an RNA molecule that does not result in a protein product.

Women's Health and Genetics/Laboratory Corporation of America, LabCorp
Classification: Uncertain significance. Last evaluated: 2023-01-25. Review status: criteria provided, single submitter. Criteria: LabCorp Variant Classification Summary - May 2015. Collection method: clinical testing. Allele origin: germline.
Comment: Variant summary: RMRP n.15G>T alters a nucleotide in the non-coding RNA. The variant allele was found at a frequency of 2.3e-05 in 129128 control chromosomes (gnomAD). The available data on variant occurrences in the general population are insufficient to allow any conclusion about variant significance. n.15G>T has been reported in the literature in one individual affected with Cartilage-Hair Hypoplasia (Hermanns_2006). These data do not allow any conclusion about variant significance. To our knowledge, no experimental evidence demonstrating an impact on protein function has been reported. One clinical diagnostic laboratory has submitted clinical-significance assessments for this variant to ClinVar after 2014 without evidence for independent evaluation and classified the variant as likely pathogenic. Based on the evidence outlined above, the variant was classified as uncertain significance.

CeGaT Center for Human Genetics Tuebingen
Classification: Likely pathogenic. Last evaluated: 2019-05-01. Review status: criteria provided, single submitter. Criteria: CeGaT Center For Human Genetics Tuebingen Variant Classification Criteria Version 2. Collection method: clinical testing. Allele origin: germline. Affected: yes. Observed: 2 variant alleles.

Literature cited by the submitters: PubMed 16252239 (cited by Labcorp Genetics (formerly Invitae), Labcorp); PubMed 16838329 (cited by Labcorp Genetics (formerly Invitae), Labcorp and Women's Health and Genetics/Laboratory Corporation of America, LabCorp).

NR_003051.4(RMRP):n.16G>T

Gene: RMRP (RNA component of mitochondrial RNA processing endoribonuclease; minus strand). Cytogenetic location: 9p13.3.
Variant type: single nucleotide variant.
Genome position: GRCh38 VCF-style: chr9-35658004-C-A. GRCh37 (hg19) VCF-style: chr9-35658001-C-A.
Identifiers: ClinVar variation 1701570 (VCV001701570.36), dbSNP rs902313238, ClinGen allele CA192745723.